The following is an entry in ClinVar:

ClinVar aggregate classification (germline): Likely pathogenic (0 of 4 stars; one submission).

Conditions:
RSPH3-related disorder. Also called: RSPH3-related condition.

Allele frequency attached by ClinVar (database versions not stated): ExAC 0.00001; TOPMed 0.00002; gnomAD 0.00003; gnomAD exomes 0.00003.

Submission:

PreventionGenetics, part of Exact Sciences
Classification: Likely pathogenic for RSPH3-related condition. Last evaluated: 2024-02-07. Review status: no assertion criteria provided. Collection method: clinical testing. Allele origin: germline.
Comment: The RSPH3 c.342dupA variant is predicted to result in a frameshift and premature protein termination (p.His115Thrfs*35). To our knowledge, this variant has not been reported in the literature. This variant is reported in 0.012% of alleles in individuals of African descent in gnomAD. Frameshift variants in RSPH3 are expected to be pathogenic. This variant is interpreted as likely pathogenic.

NM_031924.8(RSPH3):c.-85dup

Gene: RSPH3 (radial spoke head 3; minus strand). Cytogenetic location: 6q25.3.
Variant type: Duplication.
Coding change: c.-85dup on transcript NM_031924.8 (MANE Select); 85 bases upstream of the start codon, one base duplicated (A; older notation c.-85dupA).
Molecular consequence: 5 prime UTR variant. On other transcripts: frameshift variant (1), non-coding transcript variant (1).
Genome position (GRCh38, 1-based): chr6:158,999,635, T duplicated on the plus strand (A on the coding strand, the reverse complement: RSPH3 is on the minus strand). VCF-style (leftmost placement, unchanged base first): chr6-158999634-G-GT. GRCh37 (hg19) VCF-style: chr6-159420666-G-GT.
Other names: c.342dup, p.His115fs (NM_001346418.1); short protein forms H115fs.
Identifiers: ClinVar variation 3055017 (VCV003055017.2), dbSNP rs765099471, ClinGen allele CA4076038.